The following is an entry in ClinVar:

ClinVar aggregate classification (germline): Likely benign. Review status: criteria provided, single submitter (1 of 4 stars). 2 submissions from 2 submitters: Likely benign (1). 1 of the submissions does not count toward it. Last evaluated 2025-12-16.

Conditions:
RAD51-related disorder. Also called: RAD51-related disorders; RAD51-related condition.

Allele frequency attached by ClinVar (database versions not stated): gnomAD exomes 0.00003 and 0.00007; ExAC 0.00007; gnomAD 0.00021 and 0.00022; TOPMed 0.00025; ESP Exome Variant Server 0.00031; 1000 Genomes Project 0.00060; 1000 Genomes Project 30x 0.00062.
gnomAD v4.1: 72 of 1,614,112 alleles (0.0045%); highest among the groups gnomAD compares: African/African-American, 0.084%; no homozygotes.

Submissions (2):

Labcorp Genetics (formerly Invitae), Labcorp
Classification: Likely benign. Last evaluated: 2025-12-16. Review status: criteria provided, single submitter. Criteria: Invitae Variant Classification Sherloc (09022015). Collection method: clinical testing. Allele origin: germline.

PreventionGenetics, part of Exact Sciences
Classification: Likely benign for RAD51-related condition. Last evaluated: 2023-03-20. Review status: no assertion criteria provided. Collection method: clinical testing. Allele origin: germline. Not counted in ClinVar's aggregate classification.
Comment: This variant is classified as likely benign based on ACMG/AMP sequence variant interpretation guidelines (Richards et al. 2015 PMID: 25741868, with internal and published modifications).

NM_002875.5(RAD51):c.945C>T (p.Tyr315=)

Gene: RAD51 (RAD51 recombinase; plus strand). Cytogenetic location: 15q15.1.
Variant type: single nucleotide variant.
Coding change: c.945C>T on transcript NM_002875.5 (MANE Select); coding-DNA position 945, C replaced by T.
Protein change: p.Tyr315=; no amino-acid change (tyrosine 315 retained).
Molecular consequence: synonymous variant. On other transcripts: nonsense (1).
Genome position (GRCh38, 1-based): chr15:40,731,103, C>T. VCF-style: chr15-40731103-C-T. GRCh37 (hg19) VCF-style: chr15-41023301-C-T.
Other names: c.948C>T, p.Tyr316= (NM_001164269.2, NM_133487.4); c.823C>T, p.Arg275Ter (NM_001164270.2); c.823C>T (NM_001164270.1); short protein forms R275*.
Identifiers: ClinVar variation 722625 (VCV000722625.8), dbSNP rs139810756, ClinGen allele CA7484156.